The following is an entry in ClinVar:

NM_000548.5(TSC2):c.3132-4C>T

Gene: TSC2 (TSC complex subunit 2; plus strand). Cytogenetic location: 16p13.3.
Variant type: single nucleotide variant.
Coding change: c.3132-4C>T on transcript NM_000548.5 (MANE Select); 4 bases into the intron before coding-DNA position 3132, C replaced by T.
Molecular consequence: intron variant.
Genome position (GRCh38, 1-based): chr16:2,079,272, C>T. VCF-style: chr16-2079272-C-T. GRCh37 (hg19) VCF-style: chr16-2129273-C-T.
Other names: c.3132-4C>T (NM_001114382.3); c.3003-4C>T (NM_021055.3, NM_001370405.1, NM_001363528.2); c.3000-4C>T (NM_001370404.1, NM_001077183.3); c.2892-4C>T (NM_001318827.2); c.2400-4C>T (NM_001318831.2); c.2856-4C>T (NM_001318829.2); c.3033-4C>T (NM_001318832.2).
Identifiers: ClinVar variation 695869 (VCV000695869.14), dbSNP rs1228693719, ClinGen allele CA915946291.

ClinVar aggregate classification (germline): Likely benign. Review status: criteria provided, multiple submitters, no conflicts (2 of 4 stars). 4 submissions from 4 submitters: Likely benign (4). Last evaluated 2025-09-01.

Conditions:
Hereditary cancer-predisposing syndrome. Also called: Neoplastic Syndromes, Hereditary; Tumor predisposition; Hereditary neoplastic syndrome; Hereditary Cancer Syndrome. Identifiers: Orphanet 140162, MedGen C0027672, MeSH D009386, MONDO:0015356.
Tuberous sclerosis syndrome (TSC). Also called: Tuberous sclerosis; Tuberous Sclerosis Complex. Identifiers: Orphanet 805, MedGen C0041341, MONDO:0001734.
Tuberous sclerosis 2 (TSC2). Identifiers: Orphanet 805, MedGen C1860707, MONDO:0013199, OMIM 613254.

Allele frequency attached by ClinVar (database versions not stated): gnomAD exomes below 0.00001.
gnomAD v4.1: 4 of 1,613,006 alleles (0.00025%); highest among the groups gnomAD compares: African/African-American, 0.0013%; no homozygotes.

Submissions (4):

Color Diagnostics, LLC DBA Color Health
Classification: Likely benign for Tuberous sclerosis syndrome. Last evaluated: 2025-09-01. Review status: criteria provided, single submitter. Criteria: ACMG Guidelines, 2015. Collection method: clinical testing. Allele origin: germline.

Labcorp Genetics (formerly Invitae), Labcorp
Classification: Likely benign for Tuberous sclerosis 2. Last evaluated: 2025-06-09. Review status: criteria provided, single submitter. Criteria: Invitae Variant Classification Sherloc (09022015). Collection method: clinical testing. Allele origin: germline.

Myriad Genetics, Inc.
Classification: Likely benign for Tuberous sclerosis 2. Last evaluated: 2025-05-28. Review status: criteria provided, single submitter. Criteria: Myriad Autosomal Dominant, Autosomal Recessive and X-Linked Classification Criteria (2023). Collection method: clinical testing. Allele origin: unknown.
Comment: This variant is considered likely benign. This variant is intronic and is not expected to impact mRNA splicing.

Ambry Genetics
Classification: Likely benign for Hereditary cancer-predisposing syndrome. Last evaluated: 2023-05-11. Review status: criteria provided, single submitter. Criteria: Ambry Variant Classification Scheme 2023. Collection method: clinical testing. Allele origin: germline.